The following is an entry in ClinVar:

NM_001308093.3(GATA4):c.83A>G (p.His28Arg)

Gene: GATA4 (GATA binding protein 4). Cytogenetic location: 8p23.1.
Variant type: single nucleotide variant.
Coding change: c.83A>G on transcript NM_001308093.3 (MANE Select); coding-DNA position 83, A replaced by G.
Protein change: p.His28Arg; replaces histidine 28 with arginine.
Molecular consequence: missense variant. On other transcripts: intron variant (3).
Genome position (GRCh38, 1-based): chr8:11,708,395, A>G. VCF-style: chr8-11708395-A-G. GRCh37 (hg19) VCF-style: chr8-11565904-A-G.
Other names: c.83A>G, p.His28Arg (NM_002052.5); c.-6+7617A>G (NM_001308094.2); c.-3+381A>G (NM_001374274.1); c.-3+4091A>G (NM_001374273.1); short protein forms H28R.
Identifiers: ClinVar variation 1063646 (VCV001063646.9), dbSNP rs534250566, ClinGen allele CA172074466.

ClinVar aggregate classification (germline): Uncertain significance (1 of 4 stars; one submission).

Conditions:
Atrioventricular septal defect 4 (AVSD4). Identifiers: MedGen C3280781, MONDO:0013747, OMIM 614430.

Allele frequency attached by ClinVar (database versions not stated): gnomAD 0.00001; 1000 Genomes Project 30x 0.00016; 1000 Genomes Project 0.00040.

Submission:

Labcorp Genetics (formerly Invitae), Labcorp
Classification: Uncertain significance for Atrioventricular septal defect 4. Last evaluated: 2023-12-22. Review status: criteria provided, single submitter. Criteria: Invitae Variant Classification Sherloc (09022015). Collection method: clinical testing. Allele origin: germline.
Comment: This sequence change replaces histidine, which is basic and polar, with arginine, which is basic and polar, at codon 28 of the GATA4 protein (p.His28Arg). This variant is not present in population databases (gnomAD no frequency). This variant has not been reported in the literature in individuals affected with GATA4-related conditions. ClinVar contains an entry for this variant (Variation ID: 1063646). An algorithm developed to predict the effect of missense changes on protein structure and function (PolyPhen-2) suggests that this variant is likely to be disruptive. In summary, the available evidence is currently insufficient to determine the role of this variant in disease. Therefore, it has been classified as a Variant of Uncertain Significance.